The following is an entry in ClinVar:

ClinVar aggregate classification (germline): Uncertain significance. Review status: criteria provided, single submitter (1 of 4 stars). 2 submissions from 2 submitters: Uncertain significance (1). 1 of the submissions does not count toward it. Last evaluated 2021-08-02.

Conditions:
ADH7-related disorder. Also called: ADH7-related condition.

Allele frequency attached by ClinVar (database versions not stated): gnomAD exomes below 0.00001; TOPMed below 0.00001.
gnomAD v4.1: 2 of 1,613,868 alleles (0.00012%); highest among the groups gnomAD compares: Non-Finnish European, 0.000085%; no homozygotes.

Submissions (2):

Ambry Genetics
Classification: Uncertain significance. Last evaluated: 2021-08-02. Review status: criteria provided, single submitter. Criteria: Ambry Variant Classification Scheme 2023. Collection method: clinical testing. Allele origin: germline.

PreventionGenetics, part of Exact Sciences
Classification: Uncertain significance for ADH7-related condition. Last evaluated: 2024-08-18. Review status: no assertion criteria provided. Collection method: clinical testing. Allele origin: germline. Not counted in ClinVar's aggregate classification.
Comment: The ADH7 c.953C>T variant is predicted to result in the amino acid substitution p.Ala318Val. To our knowledge, this variant has not been reported in the literature. This variant is reported in 0.00088% of alleles in individuals of European (Non-Finnish) descent in gnomAD. At this time, the clinical significance of this variant is uncertain due to the absence of conclusive functional and genetic evidence.

NM_000673.7(ADH7):c.893C>T (p.Ala298Val)

Gene: ADH7 (alcohol dehydrogenase 7 (class IV), mu or sigma polypeptide; minus strand). Cytogenetic location: 4q23.
Variant type: single nucleotide variant.
Coding change: c.893C>T on transcript NM_000673.7 (MANE Select); coding-DNA position 893, C replaced by T.
Protein change: p.Ala298Val; replaces alanine 298 with valine.
Molecular consequence: missense variant.
Genome position (GRCh38, 1-based): chr4:99,419,054, G>A on the plus strand (C>T on the coding strand, the complement: ADH7 is on the minus strand). VCF-style: chr4-99419054-G-A. GRCh37 (hg19) VCF-style: chr4-100340211-G-A.
Other names: c.953C>T, p.Ala318Val (NM_001166504.2); c.953C>T (NM_001166504.1); short protein forms A318V, A298V.
Identifiers: ClinVar variation 2408596 (VCV002408596.3), dbSNP rs1433147867, ClinGen allele CA357497199.